The following is an entry in ClinVar:

NM_001135649.3(FOXI3):c.979A>G (p.Ser327Gly)

Gene: FOXI3 (forkhead box I3; minus strand). Cytogenetic location: 2p11.2.
Variant type: single nucleotide variant.
Coding change: c.979A>G on transcript NM_001135649.3 (MANE Select); coding-DNA position 979, A replaced by G.
Protein change: p.Ser327Gly; replaces serine 327 with glycine.
Molecular consequence: missense variant.
Genome position (GRCh38, 1-based): chr2:88,448,491, T>C on the plus strand (A>G on the coding strand, the complement: FOXI3 is on the minus strand). VCF-style: chr2-88448491-T-C. GRCh37 (hg19) VCF-style: chr2-88748010-T-C.
Other names: short protein forms S327G.
Identifiers: ClinVar variation 1910105 (VCV001910105.4), dbSNP rs1049826589, ClinGen allele CA51943844.

ClinVar aggregate classification (germline): Uncertain significance (1 of 4 stars; one submission).

Allele frequency attached by ClinVar (database versions not stated): gnomAD 0.00001; TOPMed 0.00003.
gnomAD v4.1: 2 of 1,551,586 alleles (0.00013%); highest among the groups gnomAD compares: African/African-American, 0.0014%; no homozygotes.

Submission:

Labcorp Genetics (formerly Invitae), Labcorp
Classification: Uncertain significance. Last evaluated: 2023-01-03. Review status: criteria provided, single submitter. Criteria: Invitae Variant Classification Sherloc (09022015). Collection method: clinical testing. Allele origin: germline.
Comment: In summary, the available evidence is currently insufficient to determine the role of this variant in disease. Therefore, it has been classified as a Variant of Uncertain Significance. Experimental studies and prediction algorithms are not available or were not evaluated, and the functional significance of this variant is currently unknown. This variant has not been reported in the literature in individuals affected with FOXI3-related conditions. This variant is not present in population databases (gnomAD no frequency). This sequence change replaces serine, which is neutral and polar, with glycine, which is neutral and non-polar, at codon 327 of the FOXI3 protein (p.Ser327Gly).